The following is an entry in ClinVar:

ClinVar aggregate classification (germline): Uncertain significance (1 of 4 stars; one submission).

Conditions:
Spermatogenic failure 27. Identifiers: MedGen C4693784, MONDO:0054731, OMIM 617965.

Submission:

Juno Genomics, Hangzhou Juno Genomics, Inc
Classification: Uncertain significance for Spermatogenic failure 27. Review status: criteria provided, single submitter. Criteria: ACMG Guidelines, 2015. Collection method: clinical testing. Allele origin: germline. Affected: yes.
Comment: Absent from controls (or at extremely low frequency if recessive) in Genome Aggregation Database, Exome Sequencing Project, 1000 Genomes Project, or Exome Aggregation Consortium.;For recessive disorders, detected in trans with a pathogenic variant.

NM_152327.5(AK7):c.1153A>T (p.Lys385Ter)

Gene: AK7 (adenylate kinase 7; plus strand). Cytogenetic location: 14q32.2.
Variant type: single nucleotide variant.
Coding change: c.1153A>T on transcript NM_152327.5 (MANE Select); coding-DNA position 1153, A replaced by T.
Protein change: p.Lys385Ter; replaces lysine 385 with a stop codon.
Molecular consequence: nonsense.
Genome position (GRCh38, 1-based): chr14:96,456,401, A>T. VCF-style: chr14-96456401-A-T. GRCh37 (hg19) VCF-style: chr14-96922738-A-T.
Other names: c.1153A>T, p.Lys385Ter (NM_001350888.2, NM_001350890.2, NM_001350892.2); c.1075A>T, p.Lys359Ter (NM_001350891.2); short protein forms K359*, K385*.
Identifiers: ClinVar variation 3382856 (VCV003382856.2).